The following is an entry in ClinVar:

NM_024120.5(NDUFAF5):c.7C>A (p.Arg3=)

Genes: NDUFAF5 (NADH:ubiquinone oxidoreductase complex assembly factor 5; plus strand), LOC130065433 (ATAC-STARR-seq lymphoblastoid active region 17552; plus strand). Cytogenetic location: 20p12.1.
Variant type: single nucleotide variant.
Coding change: c.7C>A on transcript NM_024120.5 (MANE Select); coding-DNA position 7, C replaced by A.
Protein change: p.Arg3=; no amino-acid change (arginine 3 retained).
Molecular consequence: synonymous variant. On other transcripts: 5 prime UTR variant (3), non-coding transcript variant (7).
Genome position (GRCh38, 1-based): chr20:13,785,075, C>A. VCF-style: chr20-13785075-C-A. GRCh37 (hg19) VCF-style: chr20-13765721-C-A.
Other names: c.7C>A, p.Arg3= (NM_001039375.3, NM_001352408.2); c.-361C>A (NM_001352403.2); c.-575C>A (NM_001352406.2); c.-689C>A (NM_001352407.2).
Identifiers: ClinVar variation 1132460 (VCV001132460.15), dbSNP rs150075486, ClinGen allele CA9767553.

ClinVar aggregate classification (germline): Likely benign. Review status: criteria provided, multiple submitters, no conflicts (2 of 4 stars). 4 submissions from 4 submitters: Likely benign (3). 1 of the submissions does not count toward it. Last evaluated 2026-06-01.

Conditions:
NDUFAF5-related disorder. Also called: NDUFAF5-related condition.

Allele frequency attached by ClinVar (database versions not stated): ExAC 0.00010; ESP Exome Variant Server 0.00015; 1000 Genomes Project 0.00060; 1000 Genomes Project 30x 0.00062.
gnomAD v4.1: 155 of 1,611,222 alleles (0.0096%); highest among the groups gnomAD compares: African/African-American, 0.16%; no homozygotes.

Submissions (4):

CeGaT Center for Human Genetics Tuebingen
Classification: Likely benign. Last evaluated: 2026-06-01. Review status: criteria provided, single submitter. Criteria: CeGaT Center For Human Genetics Tuebingen Variant Classification Criteria Version 2. Collection method: clinical testing. Allele origin: germline. Affected: yes. Observed: 1 variant allele.
Comment: NDUFAF5: BP4, BP7

Labcorp Genetics (formerly Invitae), Labcorp
Classification: Likely benign. Last evaluated: 2025-12-19. Review status: criteria provided, single submitter. Criteria: Invitae Variant Classification Sherloc (09022015). Collection method: clinical testing. Allele origin: germline.

GeneDx
Classification: Likely benign. Last evaluated: 2021-03-10. Review status: criteria provided, single submitter. Criteria: GeneDx Variant Classification Process June 2021. Collection method: clinical testing. Allele origin: germline. Affected: yes.

PreventionGenetics, part of Exact Sciences
Classification: Likely benign for NDUFAF5-related condition. Last evaluated: 2023-02-01. Review status: no assertion criteria provided. Collection method: clinical testing. Allele origin: germline. Not counted in ClinVar's aggregate classification.
Comment: This variant is classified as likely benign based on ACMG/AMP sequence variant interpretation guidelines (Richards et al. 2015 PMID: 25741868, with internal and published modifications).